The following is an entry in ClinVar:

ClinVar aggregate classification (germline): Uncertain significance. Review status: criteria provided, multiple submitters, no conflicts (2 of 4 stars). 2 submissions from 2 submitters: Uncertain significance (2). Last evaluated 2025-06-05.

Conditions:
Distal myopathy with posterior leg and anterior hand involvement. Also called: WILLIAMS DISTAL MYOPATHY. Identifiers: Orphanet 63273, MedGen C3279722, MONDO:0013550, OMIM 614065.
Hypertrophic cardiomyopathy 26. Also called: Cardiomyopathy, familial hypertrophic, 26. Identifiers: Orphanet 75249, MedGen C4310749, MONDO:0014883, OMIM 617047.
Myofibrillar myopathy 5. Also called: Filaminopathy (type); FILAMINOPATHY, AUTOSOMAL DOMINANT. Identifiers: Orphanet 171445, MedGen C1836050, MONDO:0012289, OMIM 609524.
Cardiovascular phenotype. Identifiers: MedGen CN230736.

Submissions (2):

Ambry Genetics
Classification: Uncertain significance for Cardiovascular phenotype. Last evaluated: 2025-06-05. Review status: criteria provided, single submitter. Criteria: Ambry Variant Classification Scheme 2023. Collection method: clinical testing. Allele origin: germline.
Comment: The c.7013G>T (p.W2338L) alteration is located in exon 42 (coding exon 42) of the FLNC gene. This alteration results from a G to T substitution at nucleotide position 7013, causing the tryptophan (W) at amino acid position 2338 to be replaced by a leucine (L). This variant was not reported in population-based cohorts in the Genome Aggregation Database (gnomAD). This amino acid position is highly conserved in available vertebrate species. This alteration is predicted to be deleterious by in silico analysis. Based on insufficient or conflicting evidence, the clinical significance of this alteration remains unclear.

Labcorp Genetics (formerly Invitae), Labcorp
Classification: Uncertain significance for Distal myopathy with posterior leg and anterior hand involvement; Myofibrillar myopathy 5; Hypertrophic cardiomyopathy 26. Last evaluated: 2024-10-28. Review status: criteria provided, single submitter. Criteria: Invitae Variant Classification Sherloc (09022015). Collection method: clinical testing. Allele origin: germline.
Comment: This sequence change replaces tryptophan, which is neutral and slightly polar, with leucine, which is neutral and non-polar, at codon 2338 of the FLNC protein (p.Trp2338Leu). This variant is not present in population databases (gnomAD no frequency). This variant has not been reported in the literature in individuals affected with FLNC-related conditions. Invitae Evidence Modeling of protein sequence and biophysical properties (such as structural, functional, and spatial information, amino acid conservation, physicochemical variation, residue mobility, and thermodynamic stability) indicates that this missense variant is not expected to disrupt FLNC protein function with a negative predictive value of 95%. In summary, the available evidence is currently insufficient to determine the role of this variant in disease. Therefore, it has been classified as a Variant of Uncertain Significance.

NM_001458.5(FLNC):c.7013G>T (p.Trp2338Leu)

Genes: FLNC (filamin C; plus strand), FLNC-AS1 (FLNC antisense RNA 1; minus strand). Cytogenetic location: 7q32.1.
Variant type: single nucleotide variant.
Coding change: c.7013G>T on transcript NM_001458.5 (MANE Select); coding-DNA position 7013, G replaced by T.
Protein change: p.Trp2338Leu; replaces tryptophan 2338 with leucine.
Molecular consequence: missense variant.
Genome position (GRCh38, 1-based): chr7:128,854,790, G>T. VCF-style: chr7-128854790-G-T. GRCh37 (hg19) VCF-style: chr7-128494844-G-T.
Other names: c.6914G>T, p.Trp2305Leu (NM_001127487.2); short protein forms W2305L, W2338L.
Identifiers: ClinVar variation 3758020 (VCV003758020.3).